The following is an entry in ClinVar:

ClinVar aggregate classification (germline): Uncertain significance. Review status: criteria provided, multiple submitters, no conflicts (2 of 4 stars). 2 submissions from 2 submitters: Uncertain significance (2). Last evaluated 2026-07-13.

Conditions:
MAGEL2-related disorder. Also called: MAGEL2-related condition.

Submissions (2):

PreventionGenetics, part of Exact Sciences
Classification: Uncertain significance for MAGEL2-related condition. Last evaluated: 2026-07-13. Review status: criteria provided, single submitter. Criteria: ACMG Guidelines, 2015. Collection method: clinical testing. Allele origin: germline.
Comment: The MAGEL2 c.1527_1532del6 variant is predicted to result in an in-frame deletion (p.Gln510_Pro511del). To our knowledge, this variant has not been reported in the literature or in a large population database (gnomAD), indicating this variant is rare. At this time, the clinical significance of this variant is uncertain due to the absence of conclusive functional and genetic evidence.

Labcorp Genetics (formerly Invitae), Labcorp
Classification: Uncertain significance. Last evaluated: 2025-09-15. Review status: criteria provided, single submitter. Criteria: Invitae Variant Classification Sherloc (09022015). Collection method: clinical testing. Allele origin: germline.
Comment: This variant, c.1527_1532del, results in the deletion of 2 amino acid(s) of the MAGEL2 protein (p.Gln510_Pro511del), but otherwise preserves the integrity of the reading frame. This variant is not present in population databases (gnomAD no frequency). This variant has not been reported in the literature in individuals affected with MAGEL2-related conditions. ClinVar contains an entry for this variant (Variation ID: 1980543). Experimental studies and prediction algorithms are not available or were not evaluated, and the functional significance of this variant is currently unknown. In summary, the available evidence is currently insufficient to determine the role of this variant in disease. Therefore, it has been classified as a Variant of Uncertain Significance.

NM_019066.5(MAGEL2):c.1527_1532del (p.Gln510_Pro511del)

Gene: MAGEL2 (MAGE family member L2; minus strand). Cytogenetic location: 15q11.2.
Variant type: Deletion.
Coding change: c.1527_1532del on transcript NM_019066.5 (MANE Select); coding-DNA positions 1527 to 1532, 6 bases deleted (CCAGCC; older notation c.1527_1532delCCAGCC).
Protein change: p.Gln510_Pro511del.
Molecular consequence: inframe deletion.
Genome position (GRCh38, 1-based): chr15:23,646,211-23,646,216, GGCTGG deleted on the plus strand (CCAGCC on the coding strand, the reverse complement: MAGEL2 is on the minus strand); deleting any 6 consecutive bases within chr15:23,646,211-23,646,217 gives the same sequence; the c. name uses the placement nearest the transcript's 3' end. VCF-style (leftmost placement, unchanged base first): chr15-23646210-TGGCTGG-T. GRCh37 (hg19) VCF-style: chr15-23891357-TGGCTGG-T.
Other names: c.1527_1532del6 (NM_019066.4).
Identifiers: ClinVar variation 1980543 (VCV001980543.5), dbSNP rs1890398571, ClinGen allele CA967690656.